The following is an entry in ClinVar:

ClinVar aggregate classification (germline): Uncertain significance (1 of 4 stars; one submission).

Allele frequency attached by ClinVar (database versions not stated): gnomAD exomes 0.00001 and 0.00006; ExAC 0.00006; gnomAD 0.00010 and 0.00012; TOPMed 0.00015.
gnomAD v4.1: 81 of 1,613,938 alleles (0.005%); highest among the groups gnomAD compares: East Asian, 0.04%; no homozygotes.

Submission:

Labcorp Genetics (formerly Invitae), Labcorp
Classification: Uncertain significance. Last evaluated: 2021-09-30. Review status: criteria provided, single submitter. Criteria: Invitae Variant Classification Sherloc (09022015). Collection method: clinical testing. Allele origin: germline.
Comment: This sequence change replaces isoleucine with valine at codon 1327 of the EIF2AK4 protein (p.Ile1327Val). The isoleucine residue is weakly conserved and there is a small physicochemical difference between isoleucine and valine. This variant is present in population databases (rs370038685, ExAC 0.06%). This variant has been observed in individual(s) with pulmonary arterial hypertension (PMID: 29743074). Advanced modeling of protein sequence and biophysical properties (such as structural, functional, and spatial information, amino acid conservation, physicochemical variation, residue mobility, and thermodynamic stability) performed at Invitae indicates that this missense variant is not expected to disrupt EIF2AK4 protein function. In summary, the available evidence is currently insufficient to determine the role of this variant in disease. Therefore, it has been classified as a Variant of Uncertain Significance.

Literature cited by the submitters: PubMed 29743074.

NM_001013703.4(EIF2AK4):c.3979A>G (p.Ile1327Val)

Gene: EIF2AK4 (eukaryotic translation initiation factor 2 alpha kinase 4; plus strand). Cytogenetic location: 15q15.1.
Variant type: single nucleotide variant.
Coding change: c.3979A>G on transcript NM_001013703.4 (MANE Select); coding-DNA position 3979, A replaced by G.
Protein change: p.Ile1327Val; replaces isoleucine 1327 with valine.
Molecular consequence: missense variant.
Genome position (GRCh38, 1-based): chr15:40,017,156, A>G. VCF-style: chr15-40017156-A-G. GRCh37 (hg19) VCF-style: chr15-40309357-A-G.
Other names: short protein forms I1327V.
Identifiers: ClinVar variation 1514568 (VCV001514568.5), dbSNP rs370038685, ClinGen allele CA7474486.